The following is an entry in ClinVar:

NM_001346754.2(PIGW):c.749C>T (p.Pro250Leu)

Genes: MYO19 (myosin XIX; minus strand), PIGW (phosphatidylinositol glycan anchor biosynthesis class W; plus strand). Cytogenetic location: 17q12.
Variant type: single nucleotide variant.
Coding change: c.749C>T on transcript NM_001346754.2 (MANE Select); coding-DNA position 749, C replaced by T.
Protein change: p.Pro250Leu; replaces proline 250 with leucine.
Molecular consequence: missense variant.
Genome position (GRCh38, 1-based): chr17:36,537,850, C>T. VCF-style: chr17-36537850-C-T. GRCh37 (hg19) VCF-style: chr17-34893699-C-T.
Other names: c.749C>T, p.Pro250Leu (NM_001346755.2, NM_178517.5); short protein forms P250L.
Identifiers: ClinVar variation 1358958 (VCV001358958.5), dbSNP rs1201986978, ClinGen allele CA399163515.

ClinVar aggregate classification (germline): Uncertain significance (1 of 4 stars; one submission).

Conditions:
Hyperphosphatasia with intellectual disability syndrome 5 (GPIBD11). Also called: GLYCOSYLPHOSPHATIDYLINOSITOL BIOSYNTHESIS DEFECT 11. Identifiers: Orphanet 247262, MedGen C4014958, MONDO:0014457, OMIM 616025.

Allele frequency attached by ClinVar (database versions not stated): TOPMed 0.00002.

Submission:

Labcorp Genetics (formerly Invitae), Labcorp
Classification: Uncertain significance for Hyperphosphatasia with intellectual disability syndrome 5. Last evaluated: 2022-02-02. Review status: criteria provided, single submitter. Criteria: Invitae Variant Classification Sherloc (09022015). Collection method: clinical testing. Allele origin: germline.
Comment: This sequence change replaces proline, which is neutral and non-polar, with leucine, which is neutral and non-polar, at codon 250 of the PIGW protein (p.Pro250Leu). This variant is not present in population databases (gnomAD no frequency). This variant has not been reported in the literature in individuals affected with PIGW-related conditions. Algorithms developed to predict the effect of missense changes on protein structure and function are either unavailable or do not agree on the potential impact of this missense change (SIFT: "Deleterious"; PolyPhen-2: "Benign"; Align-GVGD: "Class C15"). In summary, the available evidence is currently insufficient to determine the role of this variant in disease. Therefore, it has been classified as a Variant of Uncertain Significance.